The following is an entry in ClinVar:

ClinVar aggregate classification (germline): Uncertain significance (1 of 4 stars; one submission).

Conditions:
Hypogonadotropic hypogonadism 2 with or without anosmia (HH2). Also called: HYPOGONADOTROPIC HYPOGONADISM 2 WITHOUT ANOSMIA; HYPOGONADOTROPIC HYPOGONADISM 2 WITH OR WITHOUT ANOSMIA, SUSCEPTIBILITY TO; HYPOGONADOTROPIC HYPOGONADISM 2 WITHOUT ANOSMIA, SUSCEPTIBILITY TO; FGFR1-Related GnRH Deficiency (Kallmann Syndrome 2). Identifiers: Orphanet 478, MedGen C1563720, MONDO:0007844, OMIM 147950. Disease mechanism: loss of function.
Pfeiffer syndrome (ACS5). Also called: ACS V. Identifiers: Orphanet 710, MedGen C0220658, MONDO:0007043, OMIM 101600.

gnomAD v4.1: 1 of 1,613,856 alleles (0.000062%); highest among the groups gnomAD compares: Non-Finnish European, 0.000085%; no homozygotes.

Submission:

Labcorp Genetics (formerly Invitae), Labcorp
Classification: Uncertain significance for Pfeiffer syndrome; Hypogonadotropic hypogonadism 2 with or without anosmia. Last evaluated: 2023-08-30. Review status: criteria provided, single submitter. Criteria: Invitae Variant Classification Sherloc (09022015). Collection method: clinical testing. Allele origin: germline.
Comment: This variant has not been reported in the literature in individuals affected with FGFR1-related conditions. In summary, the available evidence is currently insufficient to determine the role of this variant in disease. Therefore, it has been classified as a Variant of Uncertain Significance. Advanced modeling of protein sequence and biophysical properties (such as structural, functional, and spatial information, amino acid conservation, physicochemical variation, residue mobility, and thermodynamic stability) performed at Invitae indicates that this missense variant is expected to disrupt FGFR1 protein function. ClinVar contains an entry for this variant (Variation ID: 2104302). This variant is not present in population databases (gnomAD no frequency). This sequence change replaces arginine, which is basic and polar, with glycine, which is neutral and non-polar, at codon 609 of the FGFR1 protein (p.Arg609Gly).

NM_023110.3(FGFR1):c.1825C>G (p.Arg609Gly)

Gene: FGFR1 (fibroblast growth factor receptor 1; minus strand). Cytogenetic location: 8p11.23.
Variant type: single nucleotide variant.
Coding change: c.1825C>G on transcript NM_023110.3 (MANE Select); coding-DNA position 1825, C replaced by G.
Protein change: p.Arg609Gly; replaces arginine 609 with glycine.
Molecular consequence: missense variant.
Genome position (GRCh38, 1-based): chr8:38,415,899, G>C on the plus strand (C>G on the coding strand, the complement: FGFR1 is on the minus strand). VCF-style: chr8-38415899-G-C. GRCh37 (hg19) VCF-style: chr8-38273417-G-C.
Other names: c.1825C>G, p.Arg609Gly (NM_000604.2); c.1819C>G, p.Arg607Gly (NM_001174063.2, NM_001174065.2, NM_001354367.2 and 1 more transcripts); c.1795C>G, p.Arg599Gly (NM_001174064.2); c.1558C>G, p.Arg520Gly (NM_001174066.2, NM_023105.3); c.1918C>G, p.Arg640Gly (NM_001174067.2); c.1546C>G, p.Arg516Gly (NM_001354368.2); c.1813C>G, p.Arg605Gly (NM_001354369.2, NM_001410922.1); c.1552C>G, p.Arg518Gly (NM_001354370.2, NM_023106.3); short protein forms R599G, R516G, R518G, R605G, R607G, R609G, R520G, R640G.
Identifiers: ClinVar variation 2104302 (VCV002104302.4), dbSNP rs121909639, ClinGen allele CA370731579.